The following is an entry in ClinVar:

NM_004817.4(TJP2):c.239+16C>T

Gene: TJP2 (tight junction protein 2; plus strand). Cytogenetic location: 9q21.11.
Variant type: single nucleotide variant.
Coding change: c.239+16C>T on transcript NM_004817.4 (MANE Select); 16 bases into the intron after coding-DNA position 239, C replaced by T.
Molecular consequence: intron variant.
Genome position (GRCh38, 1-based): chr9:69,216,479, C>T. VCF-style: chr9-69216479-C-T. GRCh37 (hg19) VCF-style: chr9-71831395-C-T.
Other names: p.?; c.170+16C>T (NM_001170414.2, NM_001369870.1, NM_001369871.1); c.239+16C>T (NM_201629.3, NM_001369872.1, NM_001369873.1); c.251+16C>T (NM_001170415.1, NM_001369875.1, NM_001369874.1); c.332+16C>T (NM_001170416.2).
Identifiers: ClinVar variation 1205402 (VCV001205402.8), dbSNP rs190537310, ClinGen allele CA5072943.
Genomic context (GRCh38, chr9:69,216,479, plus strand): 5'-CATTTCTGATGTGCTCCCGGGTGGGCCTGCTGATGGGCTGCTCCAGTGAGTGTCCTCCCT[C>T]GCTCCGCAGCCCCTACCAGCCCTACTGGTTGGCCCTAGACGGGGTATTTTGGTTGGTGTC-3'

ClinVar aggregate classification (germline): Benign/Likely benign. Review status: criteria provided, multiple submitters, no conflicts (2 of 4 stars). 4 submissions from 4 submitters: Benign (1); Likely benign (3). Last evaluated 2025-06-05.

Allele frequency attached by ClinVar (database versions not stated): TOPMed 0.00008; ESP Exome Variant Server 0.00023; 1000 Genomes Project 30x 0.00109; 1000 Genomes Project 0.00140; gnomAD 0.00146 and 0.00158; ExAC 0.00152; gnomAD exomes 0.00165.
gnomAD v4.1: 1,248 of 1,613,864 alleles (0.077%); highest among the groups gnomAD compares: Admixed American, 0.0083%; 12 homozygotes.

Submissions (4):

Mayo Clinic Laboratories, Mayo Clinic
Classification: Likely benign. Last evaluated: 2025-06-05. Review status: criteria provided, single submitter. Criteria: ACMG Guidelines, 2015. Collection method: clinical testing. Allele origin: germline. Observed: 1 variant allele.
Comment: BA1, BS2, BP7

Blueprint Genetics
Classification: Likely benign. Last evaluated: 2024-10-22. Review status: criteria provided, single submitter. Criteria: ACMG Guidelines, 2015. Collection method: clinical testing. Allele origin: germline.

Labcorp Genetics (formerly Invitae), Labcorp
Classification: Benign. Last evaluated: 2023-08-16. Review status: criteria provided, single submitter. Criteria: Invitae Variant Classification Sherloc (09022015). Collection method: clinical testing. Allele origin: germline.

GeneDx
Classification: Likely benign. Last evaluated: 2020-01-23. Review status: criteria provided, single submitter. Criteria: GeneDx Variant Classification Process June 2021. Collection method: clinical testing. Allele origin: germline. Affected: yes.